The following is an entry in ClinVar:

ClinVar aggregate classification (germline): Uncertain significance (1 of 4 stars; one submission).

gnomAD v4.1: 2 of 1,613,930 alleles (0.00012%); highest among the groups gnomAD compares: Non-Finnish European, 0.00017%; no homozygotes.

Submission:

Ambry Genetics
Classification: Uncertain significance. Last evaluated: 2025-03-07. Review status: criteria provided, single submitter. Criteria: Ambry Variant Classification Scheme 2023. Collection method: clinical testing. Allele origin: germline.
Comment: The p.V1279L variant (also known as c.3835G>C), located in coding exon 35 of the KIF1B gene, results from a G to C substitution at nucleotide position 3835. The valine at codon 1279 is replaced by leucine, an amino acid with highly similar properties. This amino acid position is conserved. In addition, the in silico prediction for this alteration is inconclusive. Based on the available evidence, the clinical significance of this variant remains unclear.

NM_001365951.3(KIF1B):c.3973G>C (p.Val1325Leu)

Gene: KIF1B (kinesin family member 1B; plus strand). Cytogenetic location: 1p36.22.
Variant type: single nucleotide variant.
Coding change: c.3973G>C on transcript NM_001365951.3 (MANE Select); coding-DNA position 3973, G replaced by C.
Protein change: p.Val1325Leu; replaces valine 1325 with leucine.
Molecular consequence: missense variant.
Genome position (GRCh38, 1-based): chr1:10,352,654, G>C. VCF-style: chr1-10352654-G-C. GRCh37 (hg19) VCF-style: chr1-10412712-G-C.
Other names: c.3973G>C, p.Val1325Leu (NM_001365952.1); c.3835G>C, p.Val1279Leu (NM_015074.3); short protein forms V1325L, V1279L.
Identifiers: ClinVar variation 3864122 (VCV003864122.1).